The following is an entry in ClinVar:

ClinVar aggregate classification (germline): Uncertain significance (1 of 4 stars; one submission).

Submission:

GeneDx
Classification: Uncertain significance. Last evaluated: 2024-12-16. Review status: criteria provided, single submitter. Criteria: GeneDx Variant Classification Process June 2021. Collection method: clinical testing. Allele origin: germline. Affected: yes.
Comment: Not observed at significant frequency in large population cohorts (gnomAD); In silico analysis supports that this missense variant has a deleterious effect on protein structure/function; Has not been previously published as pathogenic or benign to our knowledge

NM_000069.3(CACNA1S):c.1058T>C (p.Leu353Pro)

Gene: CACNA1S (calcium voltage-gated channel subunit alpha1 S; minus strand). Cytogenetic location: 1q32.1.
Variant type: single nucleotide variant.
Coding change: c.1058T>C on transcript NM_000069.3 (MANE Select); coding-DNA position 1058, T replaced by C.
Protein change: p.Leu353Pro; replaces leucine 353 with proline.
Molecular consequence: missense variant.
Genome position (GRCh38, 1-based): chr1:201,085,528, A>G on the plus strand (T>C on the coding strand, the complement: CACNA1S is on the minus strand). VCF-style: chr1-201085528-A-G. GRCh37 (hg19) VCF-style: chr1-201054656-A-G.
Other names: short protein forms L353P.
Identifiers: ClinVar variation 3906673 (VCV003906673.1).